The following is an entry in ClinVar:

NM_000551.4(VHL):c.109G>T (p.Glu37Ter)

Gene: VHL (von Hippel-Lindau tumor suppressor; plus strand). Cytogenetic location: 3p25.3.
Variant type: single nucleotide variant.
Coding change: c.109G>T on transcript NM_000551.4 (MANE Select); coding-DNA position 109, G replaced by T.
Protein change: p.Glu37Ter; replaces glutamic acid 37 with a stop codon.
Molecular consequence: nonsense.
Genome position (GRCh38, 1-based): chr3:10,141,956, G>T. VCF-style: chr3-10141956-G-T. GRCh37 (hg19) VCF-style: chr3-10183640-G-T.
Other names: c.109G>T, p.Glu37Ter (NM_001354723.2, NM_198156.3); short protein forms E37*.
Identifiers: ClinVar variation 872483 (VCV000872483.45), dbSNP rs1338996432, ClinGen allele CA351747760.

ClinVar aggregate classification (germline): Conflicting classifications of pathogenicity. Review status: criteria provided, conflicting classifications (1 of 4 stars). 2 submissions from 2 submitters: Likely pathogenic (1); Uncertain significance (1). Last evaluated 2022-05-12.

Conditions:
Chuvash polycythemia. Also called: POLYCYTHEMIA, VHL-DEPENDENT. Identifiers: Orphanet 238557, MedGen C1837915, MONDO:0009892, OMIM 263400.
Von Hippel-Lindau syndrome (VHLS). Also called: Von Hippel-Lindau; von Hippel–Lindau syndrome; VHL syndrome. Identifiers: Orphanet 892, MedGen C0019562, MONDO:0008667, OMIM 193300. Disease mechanism: loss of function.

Submissions (2):

Labcorp Genetics (formerly Invitae), Labcorp
Classification: Uncertain significance for Von Hippel-Lindau syndrome; Chuvash polycythemia. Last evaluated: 2022-05-12. Review status: criteria provided, single submitter. Criteria: Invitae Variant Classification Sherloc (09022015). Collection method: clinical testing. Allele origin: germline.
Comment: This variant is not present in population databases (gnomAD no frequency). This sequence change creates a premature translational stop signal (p.Glu37*) in the VHL gene. It is unclear whether it will result in an absent or disrupted protein product because an in-frame methionine located at codon 54 has the potential to rescue this variant. Several studies have shown that the VHL protein created from a downstream methionine located at codon 54 is biologically active, and exhibits properties similar to the full-length, wild-type protein (PMID: 9671762, 9751722). In summary, the available evidence is currently insufficient to determine the role of this variant in disease. Therefore, it has been classified as a Variant of Uncertain Significance. ClinVar contains an entry for this variant (Variation ID: 872483). This variant has not been reported in the literature in individuals affected with VHL-related conditions.

CeGaT Center for Human Genetics Tuebingen
Classification: Likely pathogenic. Last evaluated: 2019-09-01. Review status: criteria provided, single submitter. Criteria: CeGaT Center For Human Genetics Tuebingen Variant Classification Criteria Version 2. Collection method: clinical testing. Allele origin: germline. Affected: yes. Observed: 2 variant alleles.

Literature cited by the submitters: PubMed 9671762 (cited by Labcorp Genetics (formerly Invitae), Labcorp); PubMed 9751722 (cited by Labcorp Genetics (formerly Invitae), Labcorp).